The following is an entry in ClinVar:

NC_000002.11:g.(?_150426488)_(150426702_?)del

Gene: MMADHC (metabolism of cobalamin associated D; minus strand). Cytogenetic location: 2q23.2.
Variant type: Deletion.
Identifiers: ClinVar variation 3247251 (VCV003247251.1).

ClinVar aggregate classification (germline): Pathogenic (1 of 4 stars; one submission).

Conditions:
Methylmalonic aciduria and homocystinuria type cblD (MAHCD). Also called: METHYLMALONIC ACIDEMIA, cblH TYPE; Methylmalonic aciduria with homocystinuria cblD type. Identifiers: Orphanet 622, Orphanet 79283, MedGen C1848552, MONDO:0010185, OMIM 277410.

Submission:

Labcorp Genetics (formerly Invitae), Labcorp
Classification: Pathogenic for Methylmalonic aciduria and homocystinuria type cblD. Last evaluated: 2023-05-19. Review status: criteria provided, single submitter. Criteria: Invitae Variant Classification Sherloc (09022015). Collection method: clinical testing. Allele origin: unknown.
Comment: For these reasons, this variant has been classified as Pathogenic. This variant disrupts a region of the MMADHC protein in which other variant(s) (p.Tyr249Cys) have been determined to be pathogenic (PMID: 18385497, 22156578, 25155779). This suggests that this is a clinically significant region of the protein, and that variants that disrupt it are likely to be disease-causing. This variant is a gross deletion of the genomic region encompassing exon(s) 8 of the MMADHC gene, which includes the termination codon. This deletion extends beyond the assayed region for this gene and therefore may encompass additional genes. While this deletion is not anticipated to lead to nonsense mediated decay, it is expected to alter mRNA translation or result in a truncated protein product. This variant has not been reported in the literature in individuals affected with MMADHC-related conditions.

Literature cited by the submitters: PubMed 18385497; PubMed 22156578; PubMed 25155779.